The following is an entry in ClinVar:

NM_001035.3(RYR2):c.1847C>T (p.Ser616Leu)

Gene: RYR2 (ryanodine receptor 2; plus strand). Cytogenetic location: 1q43.
Variant type: single nucleotide variant.
Coding change: c.1847C>T on transcript NM_001035.3 (MANE Select); coding-DNA position 1847, C replaced by T.
Protein change: p.Ser616Leu; replaces serine 616 with leucine.
Molecular consequence: missense variant.
Genome position (GRCh38, 1-based): chr1:237,492,973, C>T. VCF-style: chr1-237492973-C-T. GRCh37 (hg19) VCF-style: chr1-237656273-C-T.
Other names: c.1847C>T, p.Ser616Leu (LRG_402t1); short protein forms S616L.
Identifiers: ClinVar variation 180486 (VCV000180486.13), dbSNP rs730880187, ClinGen allele CA008618.

ClinVar aggregate classification (germline): Likely pathogenic. Review status: criteria provided, multiple submitters, no conflicts (2 of 4 stars). 3 submissions from 3 submitters: Likely pathogenic (3). Last evaluated 2021-09-23.

Conditions:
RYR2-related disorder. Also called: RYR2-related condition.
Catecholaminergic polymorphic ventricular tachycardia 1. Also called: VENTRICULAR TACHYCARDIA, CATECHOLAMINERGIC POLYMORPHIC, 1, WITH OR WITHOUT ATRIAL DYSFUNCTION AND/OR DILATED CARDIOMYOPATHY; RYR2-Related Catecholaminergic Polymorphic Ventricular Tachycardia; VENTRICULAR TACHYCARDIA, STRESS-INDUCED POLYMORPHIC 1. Identifiers: Orphanet 3286, MedGen C1631597, MONDO:0011484, OMIM 604772.

Submissions (3):

Blueprint Genetics
Classification: Likely pathogenic for RYR2-related disorders. Last evaluated: 2021-09-23. Review status: criteria provided, single submitter. Criteria: ACMG Guidelines, 2015. Collection method: clinical testing. Allele origin: germline. Affected: yes. Observed: 2 variant alleles.

Labcorp Genetics (formerly Invitae), Labcorp
Classification: Likely pathogenic for Catecholaminergic polymorphic ventricular tachycardia 1. Last evaluated: 2020-01-11. Review status: criteria provided, single submitter. Criteria: Invitae Variant Classification Sherloc (09022015). Collection method: clinical testing. Allele origin: germline.
Comment: Advanced modeling of protein sequence and biophysical properties (such as structural, functional, and spatial information, amino acid conservation, physicochemical variation, residue mobility, and thermodynamic stability) performed at Invitae indicates that this missense variant is expected to disrupt RYR2 protein function. This variant has been observed in individual(s) with clinical features of RYR2-related conditions (PMID: 19216760, Invitae). In at least one individual the variant was observed to be de novo. ClinVar contains an entry for this variant (Variation ID: 180486). This variant is not present in population databases (ExAC no frequency). This sequence change replaces serine with leucine at codon 616 of the RYR2 protein (p.Ser616Leu). The serine residue is highly conserved and there is a large physicochemical difference between serine and leucine. In summary, the currently available evidence indicates that the variant is pathogenic, but additional data are needed to prove that conclusively. Therefore, this variant has been classified as Likely Pathogenic.

GeneDx
Classification: Likely pathogenic. Last evaluated: 2016-09-08. Review status: criteria provided, single submitter. Criteria: GeneDx Variant Classification (06012015). Collection method: clinical testing. Allele origin: germline. Affected: yes.
Comment: This variant was absent in 300 blood donors (Marjamaa et al., 2009) and was not observed in approximately 6,200 individuals of European and African American ancestry in the NHLBI Exome Sequencing Project, indicating it is not a common benign variant in these populations. The S616L variant is a non-conservative amino acid substitution, which is likely to impact secondary protein structure as these residues differ in polarity, charge, size and/or other properties, and this substitution occurs at a position that is conserved across species. Consequently, in silico analysis predicts that S616L is damaging to the structure/function of the protein. However, the S616L variant is not located in one of the three hot-spot regions of the RYR2 gene, where the majority of pathogenic missense variants occur (Medeiros-Domingo et al., 2009).Therefore, this variant is likely pathogenic.

Literature cited by the submitters: PubMed 19216760 (cited by Labcorp Genetics (formerly Invitae), Labcorp).